The following is an entry in ClinVar:

ClinVar aggregate classification (germline): Conflicting classifications of pathogenicity. Review status: criteria provided, conflicting classifications (1 of 4 stars). 11 submissions from 11 submitters: Uncertain significance (9); Likely benign (2). Last evaluated 2026-09-01.

Conditions:
TTN-related disorder. Also called: TTN-related condition; TTN-related disease; TTN-related disorders.
Autosomal recessive limb-girdle muscular dystrophy type 2J (LGMDR10). Also called: Limb-girdle muscular dystrophy, type 2J; MUSCULAR DYSTROPHY, LIMB-GIRDLE, AUTOSOMAL RECESSIVE 10. Identifiers: Orphanet 140922, MedGen C1837342, MONDO:0012127, OMIM 608807.
Dilated cardiomyopathy 1G (CMD1G). Identifiers: Orphanet 154, MedGen C1858763, MONDO:0011400, OMIM 604145.
Cardiomyopathy (CMYO). Also called: Cardiomyopathies. Identifiers: Orphanet 167848, MedGen C0878544, MONDO:0004994, HP:0001638. Inheritance: Various modes of inheritance.

Allele frequency attached by ClinVar (database versions not stated): ExAC 0.00009; gnomAD exomes 0.00009; TOPMed 0.00011; gnomAD 0.00014 and 0.00016; 1000 Genomes Project 30x 0.00016; ESP Exome Variant Server 0.00016; 1000 Genomes Project 0.00020.
gnomAD v4.1: 131 of 1,613,648 alleles (0.0081%); highest among the groups gnomAD compares: African/African-American, 0.029%; no homozygotes.

Submissions (12):

CeGaT Center for Human Genetics Tuebingen
Classification: Uncertain significance. Last evaluated: 2026-09-01. Review status: criteria provided, single submitter. Criteria: CeGaT Center For Human Genetics Tuebingen Variant Classification Criteria Version 2. Collection method: clinical testing. Allele origin: germline. Affected: yes. Observed: 1 variant allele.
Comment: TTN: PM2

PreventionGenetics, part of Exact Sciences
Classification: Uncertain significance for TTN-related condition. Last evaluated: 2026-08-19. Review status: criteria provided, single submitter. Criteria: ACMG Guidelines, 2015. Collection method: clinical testing. Allele origin: germline.
Comment: The TTN c.90793C>T variant is predicted to result in the amino acid substitution p.Arg30265Trp. To our knowledge, this variant has not been reported in the literature. This variant is reported in 0.021% of alleles in individuals of African descent in gnomAD. At this time, the clinical significance of this variant is uncertain due to the absence of conclusive functional and genetic evidence.

Women's Health and Genetics/Laboratory Corporation of America, LabCorp
Classification: Uncertain significance. Last evaluated: 2025-10-15. Review status: criteria provided, single submitter. Criteria: LabCorp Variant Classification Summary - May 2015. Collection method: clinical testing. Allele origin: germline.
Comment: Variant summary: TTN c.83089C>T (p.Arg27697Trp) results in a non-conservative amino acid change located in the A-band region of the encoded protein sequence. Algorithms developed to predict the effect of missense changes on protein structure and function all suggest that this variant is likely to be disruptive. The variant allele was found at a frequency of 9.3e-05 in 248592 control chromosomes. This frequency is not significantly higher than estimated for disease-causing variants in TTN, allowing no conclusion about variant significance. To our knowledge, no occurrence of c.83089C>T in individuals affected with TTN-related conditions and no experimental evidence demonstrating its impact on protein function have been reported. ClinVar contains an entry for this variant (Variation ID: 404848). Based on the evidence outlined above, the variant was classified as uncertain significance.

Molecular Diagnostic Laboratory for Inherited Cardiovascular Disease, Montreal Heart Institute
Classification: Likely benign. Last evaluated: 2025-04-09. Review status: criteria provided, single submitter. Criteria: ACMG Guidelines, 2015. Collection method: clinical testing. Allele origin: germline. Affected: no.

Blueprint Genetics
Classification: Uncertain significance. Last evaluated: 2024-11-11. Review status: criteria provided, single submitter. Criteria: ACMG Guidelines, 2015. Collection method: clinical testing. Allele origin: germline.

Athena Diagnostics
Classification: Uncertain significance. Last evaluated: 2024-10-29. Review status: criteria provided, single submitter. Criteria: Athena Diagnostics Criteria. Collection method: clinical testing. Allele origin: unknown.
Comment: Available data are insufficient to determine the clinical significance of the variant at this time. The frequency of this variant in the general population is higher than would generally be expected for pathogenic variants in this gene. Polyphen and MutationTaster yielded discordant predictions regarding whether this amino acid change is damaging to the protein.

Revvity Omics, Revvity
Classification: Uncertain significance. Last evaluated: 2022-06-13. Review status: criteria provided, single submitter. Criteria: ACMG Guidelines, 2015. Collection method: clinical testing. Allele origin: germline.

GeneDx
Classification: Likely benign. Last evaluated: 2019-12-24. Review status: criteria provided, single submitter. Criteria: GeneDx Variant Classification Process June 2021. Collection method: clinical testing. Allele origin: germline. Affected: yes.

CHEO Genetics Diagnostic Laboratory, Children's Hospital of Eastern Ontario
Classification: Uncertain significance for Cardiomyopathy. Last evaluated: 2018-03-22. Review status: criteria provided, single submitter. Criteria: ACMG Guidelines, 2015. Collection method: clinical testing. Allele origin: germline.

Labcorp Genetics (formerly Invitae), Labcorp
Classification: Uncertain significance for Dilated cardiomyopathy 1G; Autosomal recessive limb-girdle muscular dystrophy type 2J. Last evaluated: 2017-06-22. Review status: criteria provided, single submitter. Criteria: Invitae Variant Classification Sherloc (09022015). Collection method: clinical testing. Allele origin: germline.

Eurofins Ntd Llc (ga)
Classification: Uncertain significance. Last evaluated: 2016-11-09. Review status: criteria provided, single submitter. Criteria: EGL Classification Definitions 2015. Collection method: clinical testing. Allele origin: germline. Observed: 1 variant allele, 1 heterozygote.

Dr. Peter K. Rogan Lab, Western University
No classification provided (evidence only). Condition: Acute myeloid leukemia. Review status: no classification provided. Collection method: in vitro. Allele origin: not applicable. Functional consequence: retained intron. Not counted in ClinVar's aggregate classification.

NM_001267550.2(TTN):c.90793C>T (p.Arg30265Trp)

Genes: TTN (titin; minus strand), TTN-AS1 (TTN antisense RNA 1; plus strand). Cytogenetic location: 2q31.2.
Variant type: single nucleotide variant.
Coding change: c.90793C>T on transcript NM_001267550.2 (MANE Select); coding-DNA position 90793, C replaced by T.
Protein change: p.Arg30265Trp; replaces arginine 30265 with tryptophan.
Molecular consequence: missense variant.
Genome position (GRCh38, 1-based): chr2:178,552,107, G>A on the plus strand (C>T on the coding strand, the complement: TTN is on the minus strand). VCF-style: chr2-178552107-G-A. GRCh37 (hg19) VCF-style: chr2-179416834-G-A.
Other names: NC_000002.11:g.179416834G>A; c.85870C>T, p.Arg28624Trp (NM_001256850.1); c.63598C>T, p.Arg21200Trp (NM_003319.4); c.83089C>T, p.Arg27697Trp (NM_133378.4); c.63973C>T, p.Arg21325Trp (NM_133432.3); c.64174C>T, p.Arg21392Trp (NM_133437.4); c.90793C>T (NM_001267550.1); short protein forms R30265W, R27697W, R28624W, R21200W, R21325W, R21392W.
Identifiers: ClinVar variation 404848 (VCV000404848.21), dbSNP rs200022152, ClinGen allele CA1987742.
Genomic context (GRCh38, chr2:178,552,107, plus strand): 5'-TGAAAGTCGTTCTGGCAACACTTGAACACACCATCTTCCAGTTAGTTTGTGAAGTTTCCC[G>A]CTTCTCGATGCTGTAACAAGTAATTTCTCCTCCTCCATTATCTTCAGGTACATCCCATGA-3'
Protein context (NP_001254479.2, residues 30255-30275): GEITCYSIEK[Arg30265Trp]ETSQTNWKMV